The following is an entry in ClinVar:

ClinVar aggregate classification (germline): Uncertain significance. Review status: criteria provided, multiple submitters, no conflicts (2 of 4 stars). 2 submissions from 2 submitters: Uncertain significance (2). Last evaluated 2026-02-13.

Conditions:
Inborn genetic diseases. Identifiers: MedGen C0950123, MeSH D030342.

Submissions (2):

GeneDx
Classification: Uncertain significance. Last evaluated: 2026-02-13. Review status: criteria provided, single submitter. Criteria: GeneDx Variant Classification Process June 2021. Collection method: clinical testing. Allele origin: germline.
Comment: In silico analysis supports that this missense variant has a deleterious effect on protein structure/function; Has not been previously published as pathogenic or benign to our knowledge

Ambry Genetics
Classification: Uncertain significance for Inborn genetic diseases. Last evaluated: 2024-10-11. Review status: criteria provided, single submitter. Criteria: Ambry Variant Classification Scheme 2023. Collection method: clinical testing. Allele origin: germline.

NM_001372044.2(SHANK3):c.1289G>A (p.Arg430Gln)

Gene: SHANK3 (SH3 and multiple ankyrin repeat domains 3; plus strand). Cytogenetic location: 22q13.33.
Variant type: single nucleotide variant.
Coding change: c.1289G>A on transcript NM_001372044.2 (MANE Select); coding-DNA position 1289, G replaced by A.
Protein change: p.Arg430Gln; replaces arginine 430 with glutamine.
Molecular consequence: missense variant.
Genome position (GRCh38, 1-based): chr22:50,694,808, G>A. VCF-style: chr22-50694808-G-A. GRCh37 (hg19) VCF-style: chr22-51133236-G-A.
Other names: c.1064G>A (NM_033517.1); short protein forms R430Q.
Identifiers: ClinVar variation 3441251 (VCV003441251.2).